The following is an entry in ClinVar:

NM_001009944.3(PKD1):c.7271C>A (p.Thr2424Lys)

Gene: PKD1 (polycystin 1, transient receptor potential channel interacting; minus strand). Cytogenetic location: 16p13.3.
Variant type: single nucleotide variant.
Coding change: c.7271C>A on transcript NM_001009944.3 (MANE Select); coding-DNA position 7271, C replaced by A.
Protein change: p.Thr2424Lys; replaces threonine 2424 with lysine.
Molecular consequence: missense variant.
Genome position (GRCh38, 1-based): chr16:2,106,616, G>T on the plus strand (C>A on the coding strand, the complement: PKD1 is on the minus strand). VCF-style: chr16-2106616-G-T. GRCh37 (hg19) VCF-style: chr16-2156617-G-T.
Other names: c.7271C>A, p.Thr2424Lys (NM_000296.4); short protein forms T2424K.
Identifiers: ClinVar variation 3601986 (VCV003601986.1).

ClinVar aggregate classification (germline): Uncertain significance (1 of 4 stars; one submission).

Conditions:
Polycystic kidney disease, adult type (PKD1). Also called: Polycystic Kidney Disease 1, Autosomal Dominant; Polycystic kidney disease 1; Polycystic kidney disease 1, severe; POLYCYSTIC KIDNEY DISEASE 1 WITH OR WITHOUT POLYCYSTIC LIVER DISEASE; POLYCYSTIC KIDNEY DISEASE, ADULT, TYPE I; Polycystic Kidney, Autosomal Dominant. Identifiers: MedGen C3149841, MONDO:0008263, OMIM 173900.

Submission:

MVZ Medizinische Genetik Mainz
Classification: Uncertain significance for Polycystic kidney disease, adult type. Last evaluated: 2024-12-31. Review status: criteria provided, single submitter. Criteria: UK Practice Guidelines For Variant Classification V4 01 2020. Collection method: clinical testing. Allele origin: germline. Inheritance: Autosomal dominant inheritance. Affected: yes. Observed: 1 variant allele.
Comment: ACMG Criteria: PM2_SUP,PP3,PP4